The following is an entry in ClinVar:

ClinVar aggregate classification (germline): Pathogenic (1 of 4 stars; one submission).

Conditions:
Ataxia-telangiectasia syndrome (AT). Also called: Ataxia-telangiectasia; LOUIS-BAR SYNDROME; Ataxia-telangiectasia, complementation group D; AT, COMPLEMENTATION GROUP C; ATAXIA-TELANGIECTASIA, COMPLEMENTATION GROUP A; ATAXIA-TELANGIECTASIA, FRESNO VARIANT. Identifiers: Orphanet 100, MedGen C0004135, MONDO:0008840, OMIM 208900.

Submission:

Labcorp Genetics (formerly Invitae), Labcorp
Classification: Pathogenic for Ataxia-telangiectasia syndrome. Last evaluated: 2023-01-17. Review status: criteria provided, single submitter. Criteria: Invitae Variant Classification Sherloc (09022015). Collection method: clinical testing. Allele origin: germline.
Comment: For these reasons, this variant has been classified as Pathogenic. ClinVar contains an entry for this variant (Variation ID: 1431206). This variant has not been reported in the literature in individuals affected with ATM-related conditions. This variant is not present in population databases (gnomAD no frequency). This sequence change creates a premature translational stop signal (p.Glu2257*) in the ATM gene. It is expected to result in an absent or disrupted protein product. Loss-of-function variants in ATM are known to be pathogenic (PMID: 23807571, 25614872).

Literature cited by the submitters: PubMed 23807571; PubMed 25614872.

NM_000051.4(ATM):c.6769G>T (p.Glu2257Ter)

Genes: ATM (ATM serine/threonine kinase; plus strand), C11orf65 (chromosome 11 open reading frame 65; minus strand). Cytogenetic location: 11q22.3.
Variant type: single nucleotide variant.
Coding change: c.6769G>T on transcript NM_000051.4 (MANE Select); coding-DNA position 6769, G replaced by T.
Protein change: p.Glu2257Ter; replaces glutamic acid 2257 with a stop codon.
Molecular consequence: nonsense. On other transcripts: intron variant (2).
Genome position (GRCh38, 1-based): chr11:108,325,506, G>T. VCF-style: chr11-108325506-G-T. GRCh37 (hg19) VCF-style: chr11-108196233-G-T.
Other names: c.6769G>T, p.Glu2257Ter (NM_001351834.2); c.641-16435C>A (NM_001330368.2); c.*38+9714C>A (NM_001351110.2); short protein forms E2257*.
Identifiers: ClinVar variation 1431206 (VCV001431206.7), dbSNP rs2136317336, ClinGen allele CA382555390.